The following is an entry in ClinVar:

ClinVar aggregate classification (germline): Uncertain significance. Review status: criteria provided, multiple submitters, no conflicts (2 of 4 stars). 2 submissions from 2 submitters: Uncertain significance (2). Last evaluated 2026-06-02.

Conditions:
Mitochondrial complex II deficiency, nuclear type 1. Also called: SUCCINATE CoQ REDUCTASE DEFICIENCY. Identifiers: Orphanet 3208, MedGen C5700310, MONDO:0100294, OMIM 252011.
Pheochromocytoma/paraganglioma syndrome 5. Also called: Paragangliomas 5; SDHA-Related Hereditary Paraganglioma-Pheochromocytoma Syndrome. Identifiers: Orphanet 29072, MedGen C3279992, MONDO:0013602, OMIM 614165.
Hereditary cancer-predisposing syndrome. Also called: Hereditary Cancer Syndrome; Neoplastic Syndromes, Hereditary; Tumor predisposition; Hereditary neoplastic syndrome. Identifiers: Orphanet 140162, MedGen C0027672, MeSH D009386, MONDO:0015356.

Submissions (2):

Ambry Genetics
Classification: Uncertain significance for Hereditary cancer-predisposing syndrome. Last evaluated: 2026-06-02. Review status: criteria provided, single submitter. Criteria: Ambry Variant Classification Scheme 2023. Collection method: clinical testing. Allele origin: germline.
Comment: The p.G134V variant (also known as c.401G>T), located in coding exon 4 of the SDHA gene, results from a G to T substitution at nucleotide position 401. The glycine at codon 134 is replaced by valine, an amino acid with dissimilar properties. This amino acid position is highly conserved in available vertebrate species. In addition, this alteration is predicted to be deleterious by in silico analysis. Based on the available evidence, the clinical significance of this variant remains unclear.

Labcorp Genetics (formerly Invitae), Labcorp
Classification: Uncertain significance for Pheochromocytoma/paraganglioma syndrome 5; Mitochondrial complex II deficiency, nuclear type 1. Last evaluated: 2024-06-21. Review status: criteria provided, single submitter. Criteria: Invitae Variant Classification Sherloc (09022015). Collection method: clinical testing. Allele origin: germline.
Comment: This sequence change replaces glycine, which is neutral and non-polar, with valine, which is neutral and non-polar, at codon 134 of the SDHA protein (p.Gly134Val). This variant is not present in population databases (gnomAD no frequency). This variant has not been reported in the literature in individuals affected with SDHA-related conditions. ClinVar contains an entry for this variant (Variation ID: 2147038). Advanced modeling of protein sequence and biophysical properties (such as structural, functional, and spatial information, amino acid conservation, physicochemical variation, residue mobility, and thermodynamic stability) has been performed at Invitae for this missense variant, however the output from this modeling did not meet the statistical confidence thresholds required to predict the impact of this variant on SDHA protein function. In summary, the available evidence is currently insufficient to determine the role of this variant in disease. Therefore, it has been classified as a Variant of Uncertain Significance.

NM_004168.4(SDHA):c.401G>T (p.Gly134Val)

Gene: SDHA (succinate dehydrogenase complex flavoprotein subunit A; plus strand). Cytogenetic location: 5p15.33.
Variant type: single nucleotide variant.
Coding change: c.401G>T on transcript NM_004168.4 (MANE Select); coding-DNA position 401, G replaced by T.
Protein change: p.Gly134Val; replaces glycine 134 with valine.
Molecular consequence: missense variant. On other transcripts: intron variant (1).
Genome position (GRCh38, 1-based): chr5:225,507, G>T. VCF-style: chr5-225507-G-T. GRCh37 (hg19) VCF-style: chr5-225622-G-T.
Other names: c.401G>T (NM_004168.2); c.401G>T, p.Gly134Val (NM_001330758.2); c.313-376G>T (NM_001294332.2); short protein forms G134V.
Identifiers: ClinVar variation 2147038 (VCV002147038.6), dbSNP rs2477295115, ClinGen allele CA359009498.